The following is an entry in ClinVar:

NM_001037.5(SCN1B):c.638G>A (p.Gly213Asp)

Gene: SCN1B (sodium voltage-gated channel beta subunit 1; plus strand). Cytogenetic location: 19q13.11.
Variant type: single nucleotide variant.
Coding change: c.638G>A on transcript NM_001037.5 (MANE Select); coding-DNA position 638, G replaced by A.
Protein change: p.Gly213Asp; replaces glycine 213 with aspartic acid.
Molecular consequence: missense variant.
Genome position (GRCh38, 1-based): chr19:35,039,682, G>A. VCF-style: chr19-35039682-G-A. GRCh37 (hg19) VCF-style: chr19-35530586-G-A.
Other names: p.G213D:GGC>GAC; c.539G>A, p.Gly180Asp (NM_001321605.2); short protein forms G213D, G180D.
Identifiers: ClinVar variation 190878 (VCV000190878.17), dbSNP rs201209882, ClinGen allele CA302188.

ClinVar aggregate classification (germline): Uncertain significance. Review status: criteria provided, multiple submitters, no conflicts (2 of 4 stars). 3 submissions from 3 submitters: Uncertain significance (3). Last evaluated 2025-11-20.

Conditions:
Cardiovascular phenotype. Identifiers: MedGen CN230736.
Brugada syndrome 5 (BRGDA5). Identifiers: Orphanet 130, Orphanet 871, MedGen C2748541, MONDO:0013015, OMIM 612838.

Allele frequency attached by ClinVar (database versions not stated): ExAC 0.00002; gnomAD exomes 0.00001 and 0.00002; gnomAD 0.00002 and 0.00003; TOPMed 0.00003; 1000 Genomes Project 30x 0.00016; 1000 Genomes Project 0.00020.
gnomAD v4.1: 15 of 1,614,210 alleles (0.00093%); highest among the groups gnomAD compares: Middle Eastern, 0.033%; no homozygotes.

Submissions (3):

Labcorp Genetics (formerly Invitae), Labcorp
Classification: Uncertain significance for Brugada syndrome 5. Last evaluated: 2025-11-20. Review status: criteria provided, single submitter. Criteria: Invitae Variant Classification Sherloc (09022015). Collection method: clinical testing. Allele origin: germline.
Comment: The SCN1B gene has multiple clinically relevant transcripts. This variant occurs in alternate transcript NM_001037.5, and corresponds to NM_199037.4:c.*5584G>A in the primary transcript. This sequence change replaces glycine, which is neutral and non-polar, with aspartic acid, which is acidic and polar, at codon 213 of the SCN1B protein (p.Gly213Asp). This variant is present in population databases (rs201209882, gnomAD 0.003%). This missense change has been observed in individual(s) with SCN1B-related conditions (PMID: 34034907). Experimental studies and prediction algorithms are not available or were not evaluated, and the functional significance of this variant is currently unknown. In summary, the available evidence is currently insufficient to determine the role of this variant in disease. Therefore, it has been classified as a Variant of Uncertain Significance.

Ambry Genetics
Classification: Uncertain significance for Cardiovascular phenotype. Last evaluated: 2025-08-13. Review status: criteria provided, single submitter. Criteria: Ambry Variant Classification Scheme 2023. Collection method: clinical testing. Allele origin: germline.
Comment: The p.G213D variant (also known as c.638G>A), located in coding exon 5 of the SCN1B gene, results from a G to A substitution at nucleotide position 638. The glycine at codon 213 is replaced by aspartic acid, an amino acid with similar properties. This variant was detected in both cases and controls in a pediatric epilepsy cohort; however, details were limited (Orrico A et al. Clin Genet, 2009 Jun;75:579-81). This amino acid position is highly conserved in available vertebrate species. In addition, the in silico prediction for this alteration is inconclusive. Based on the supporting evidence, the clinical significance of this variant for cardiac arrhythmia and autosomal recessive SCN1B-related early infantile epileptic encephalopathy is unclear; however, due to its observed frequencies in various cohorts, this variant is unlikely to be causative of autosomal dominant SCN1B-related epilepsy.

GeneDx
Classification: Uncertain significance. Last evaluated: 2022-08-29. Review status: criteria provided, single submitter. Criteria: GeneDx Variant Classification Process June 2021. Collection method: clinical testing. Allele origin: germline. Affected: yes.
Comment: Has not been previously published as pathogenic or benign to our knowledge; Not observed at significant frequency in large population cohorts (gnomAD); In silico analysis supports that this missense variant has a deleterious effect on protein structure/function

Literature cited by the submitters: PubMed 34034907 (cited by Labcorp Genetics (formerly Invitae), Labcorp); PubMed 19522081 (cited by Ambry Genetics); PubMed 25998140 (cited by Ambry Genetics).